The following is an entry in ClinVar:

NM_000388.4(CASR):c.2146C>G (p.Arg716Gly)

Gene: CASR (calcium sensing receptor; plus strand). Cytogenetic location: 3q21.1.
Variant type: single nucleotide variant.
Coding change: c.2146C>G on transcript NM_000388.4 (MANE Select); coding-DNA position 2146, C replaced by G.
Protein change: p.Arg716Gly; replaces arginine 716 with glycine.
Molecular consequence: missense variant.
Genome position (GRCh38, 1-based): chr3:122,284,100, C>G. VCF-style: chr3-122284100-C-G. GRCh37 (hg19) VCF-style: chr3-122002947-C-G.
Other names: c.2176C>G, p.Arg726Gly (NM_001178065.2); short protein forms R716G, R726G.
Identifiers: ClinVar variation 1045851 (VCV001045851.10), dbSNP rs768333005, ClinGen allele CA354158767.

ClinVar aggregate classification (germline): Uncertain significance. Review status: criteria provided, multiple submitters, no conflicts (2 of 4 stars). 2 submissions from 2 submitters: Uncertain significance (2). Last evaluated 2025-05-21.

Conditions:
Familial hypocalciuric hypercalcemia (FHH). Also called: Familial benign hypercalcemia. Identifiers: Orphanet 405, MedGen C1809471, MONDO:0018458.
Autosomal dominant hypocalcemia 1 (HYPOC1). Also called: HYPOCALCEMIA, FAMILIAL. Identifiers: MedGen C3715128, MONDO:0011013, OMIM 601198.

Submissions (2):

Labcorp Genetics (formerly Invitae), Labcorp
Classification: Uncertain significance for Familial hypocalciuric hypercalcemia; Autosomal dominant hypocalcemia 1. Last evaluated: 2025-05-21. Review status: criteria provided, single submitter. Criteria: Invitae Variant Classification Sherloc (09022015). Collection method: clinical testing. Allele origin: germline.
Comment: This sequence change replaces arginine, which is basic and polar, with glycine, which is neutral and non-polar, at codon 716 of the CASR protein (p.Arg716Gly). This variant is not present in population databases (gnomAD no frequency). This variant has not been reported in the literature in individuals affected with CASR-related conditions. ClinVar contains an entry for this variant (Variation ID: 1045851). An algorithm developed to predict the effect of missense changes on protein structure and function (PolyPhen-2) suggests that this variant is likely to be disruptive. In summary, the available evidence is currently insufficient to determine the role of this variant in disease. Therefore, it has been classified as a Variant of Uncertain Significance.

Blueprint Genetics
Classification: Uncertain significance. Last evaluated: 2018-06-20. Review status: criteria provided, single submitter. Criteria: ACMG Guidelines, 2015. Collection method: clinical testing. Allele origin: germline.